The following is an entry in ClinVar:

NM_021954.4(GJA3):c.1233C>T (p.Leu411=)

Gene: GJA3 (gap junction protein alpha 3; minus strand). Cytogenetic location: 13q12.11.
Variant type: single nucleotide variant.
Coding change: c.1233C>T on transcript NM_021954.4 (MANE Select); coding-DNA position 1233, C replaced by T.
Protein change: p.Leu411=; no amino-acid change (leucine 411 retained).
Molecular consequence: synonymous variant.
Genome position (GRCh38, 1-based): chr13:20,142,056, G>A on the plus strand (C>T on the coding strand, the complement: GJA3 is on the minus strand). VCF-style: chr13-20142056-G-A. GRCh37 (hg19) VCF-style: chr13-20716195-G-A.
Identifiers: ClinVar variation 311333 (VCV000311333.12), dbSNP rs543711227, ClinGen allele CA6903980.
Genomic context (GRCh38, chr13:20,142,056, plus strand): 5'-CTCCGGTCTGGCCCGCCCGCTGCTGGCCCTGCTGGCCTTGCTGGCCCGACCTGGGTCTCC[G>A]AGGGGCAAGGGCGGCTGGTGCATCTGGGCCGCGGTGGTCACGGCCTGCTCCTCCTCCTCG-3'
Protein context (NP_068773.2, residues 401-421): AAQMHQPPLP[Leu411=]GDPGRASKAS

ClinVar aggregate classification (germline): Benign. Review status: criteria provided, multiple submitters, no conflicts (2 of 4 stars). 2 submissions from 2 submitters: Benign (2). Last evaluated 2025-08-04.

Conditions:
Cataract 14 multiple types. Also called: CATARACT 14, ZONULAR PULVERULENT; CATARACT 14, NUCLEAR PULVERULENT; CATARACT 14, NUCLEAR PULVERULENT AND POSTERIOR POLAR; CATARACT 14, NUCLEAR CORALLIFORM; CATARACT 14, EMBRYONAL NUCLEAR; CATARACT 14, COPPOCK-LIKE. Identifiers: Orphanet 91492, MedGen C1866078, MONDO:0011162, OMIM 601885.

Allele frequency attached by ClinVar (database versions not stated): gnomAD 0.00007 and 0.00023; TOPMed 0.00009; gnomAD exomes 0.00050 and 0.00106; 1000 Genomes Project 30x 0.00156; 1000 Genomes Project 0.00220; ExAC 0.00321.
gnomAD v4.1: 746 of 1,550,188 alleles (0.048%); highest among the groups gnomAD compares: South Asian, 0.68%; 9 homozygotes.

Submissions (2):

Labcorp Genetics (formerly Invitae), Labcorp
Classification: Benign for Cataract 14 multiple types. Last evaluated: 2025-08-04. Review status: criteria provided, single submitter. Criteria: Invitae Variant Classification Sherloc (09022015). Collection method: clinical testing. Allele origin: germline.

Illumina Laboratory Services, Illumina
Classification: Benign for Cataract 14 multiple types. Last evaluated: 2018-01-13. Review status: criteria provided, single submitter. Criteria: ICSL Variant Classification Criteria 13 December 2019. Collection method: clinical testing. Allele origin: germline.
Comment: This variant was observed in the ICSL laboratory as part of a predisposition screen in an ostensibly healthy population. It had not been previously curated by ICSL or reported in the Human Gene Mutation Database (HGMD: prior to June 1st, 2018), and was therefore a candidate for classification through an automated scoring system. Utilizing variant allele frequency, disease prevalence and penetrance estimates, and inheritance mode, an automated score was calculated to assess if this variant is too frequent to cause the disease. Based on the score and internal cut-off values, a variant classified as benign is not then subjected to further curation. The score for this variant resulted in a classification of benign for this disease.